The following is an entry in ClinVar:

ClinVar aggregate classification (germline): Uncertain significance. Review status: criteria provided, multiple submitters, no conflicts (2 of 4 stars). 4 submissions from 4 submitters: Uncertain significance (4). Last evaluated 2025-10-19.

Conditions:
ASXL3-related disorder. Also called: ASXL3-related condition. Identifiers: MedGen CN381524.
Inborn genetic diseases. Identifiers: MedGen C0950123, MeSH D030342.

Allele frequency attached by ClinVar (database versions not stated): gnomAD exomes 0.00001; TOPMed 0.00002.
gnomAD v4.1: 8 of 1,613,700 alleles (0.0005%); highest among the groups gnomAD compares: Non-Finnish European, 0.00059%; no homozygotes.

Submissions (4):

Dasa
Classification: Uncertain significance. Last evaluated: 2025-10-19. Review status: criteria provided, single submitter. Criteria: DASA Assertion Criteria. Collection method: clinical testing. Allele origin: germline.
Comment: NM_030632.3(ASXL3):c.803A>G (p.Asn268Ser) is a missense variant that results in the substitution of asparagine with serine. This variant is rare in population databases. The currently available literature and clinical evidence are not sufficient to establish a definitive association between this variant and the reported condition. Therefore, this variant is classified as a variant of uncertain significance.

PreventionGenetics, part of Exact Sciences
Classification: Uncertain significance for ASXL3-related condition. Last evaluated: 2025-10-06. Review status: criteria provided, single submitter. Criteria: ACMG Guidelines, 2015. Collection method: clinical testing. Allele origin: germline.
Comment: The ASXL3 c.803A>G variant is predicted to result in the amino acid substitution p.Asn268Ser. To our knowledge, this variant has not been reported in the literature or in a large population database (gnomAD), indicating this variant is rare. At this time, the clinical significance of this variant is uncertain due to the absence of conclusive functional and genetic evidence.

Ambry Genetics
Classification: Uncertain significance for Inborn genetic diseases. Last evaluated: 2024-02-13. Review status: criteria provided, single submitter. Criteria: Ambry Variant Classification Scheme 2023. Collection method: clinical testing. Allele origin: germline.

Blueprint Genetics
Classification: Uncertain significance. Last evaluated: 2022-05-14. Review status: criteria provided, single submitter. Criteria: ACMG Guidelines, 2015. Collection method: clinical testing. Allele origin: germline.

NM_030632.3(ASXL3):c.803A>G (p.Asn268Ser)

Gene: ASXL3 (ASXL transcriptional regulator 3; plus strand). Cytogenetic location: 18q12.1.
Variant type: single nucleotide variant.
Coding change: c.803A>G on transcript NM_030632.3 (MANE Select); coding-DNA position 803, A replaced by G.
Protein change: p.Asn268Ser; replaces asparagine 268 with serine.
Molecular consequence: missense variant.
Genome position (GRCh38, 1-based): chr18:33,683,492, A>G. VCF-style: chr18-33683492-A-G. GRCh37 (hg19) VCF-style: chr18-31263456-A-G.
Other names: c.803A>G (NM_030632.2); short protein forms N268S.
Identifiers: ClinVar variation 3130630 (VCV003130630.5), dbSNP rs2066546212, ClinGen allele CA402170030.